The following is an entry in ClinVar:

ClinVar aggregate classification (germline): Uncertain significance. Review status: criteria provided, multiple submitters, no conflicts (2 of 4 stars). 2 submissions from 2 submitters: Uncertain significance (2). Last evaluated 2024-11-13.

Conditions:
Inborn genetic diseases. Identifiers: MedGen C0950123, MeSH D030342.

Allele frequency attached by ClinVar (database versions not stated): gnomAD exomes below 0.00001; TOPMed below 0.00001.
gnomAD v4.1: 1 of 1,613,688 alleles (0.000062%); highest among the groups gnomAD compares: Non-Finnish European, 0.000085%; no homozygotes.

Submissions (2):

Labcorp Genetics (formerly Invitae), Labcorp
Classification: Uncertain significance. Last evaluated: 2024-11-13. Review status: criteria provided, single submitter. Criteria: Invitae Variant Classification Sherloc (09022015). Collection method: clinical testing. Allele origin: germline.
Comment: This sequence change replaces leucine, which is neutral and non-polar, with valine, which is neutral and non-polar, at codon 662 of the FOCAD protein (p.Leu662Val). This variant is present in population databases (no rsID available, gnomAD 0.003%). This variant has not been reported in the literature in individuals affected with FOCAD-related conditions. ClinVar contains an entry for this variant (Variation ID: 2248750). Experimental studies and prediction algorithms are not available or were not evaluated, and the functional significance of this variant is currently unknown. In summary, the available evidence is currently insufficient to determine the role of this variant in disease. Therefore, it has been classified as a Variant of Uncertain Significance.

Ambry Genetics
Classification: Uncertain significance for Inborn genetic diseases. Last evaluated: 2021-09-14. Review status: criteria provided, single submitter. Criteria: Ambry Variant Classification Scheme 2023. Collection method: clinical testing. Allele origin: germline.

NM_001375567.1(FOCAD):c.1984C>G (p.Leu662Val)

Gene: FOCAD (focadhesin; plus strand). Cytogenetic location: 9p21.3.
Variant type: single nucleotide variant.
Coding change: c.1984C>G on transcript NM_001375567.1 (MANE Select); coding-DNA position 1984, C replaced by G.
Protein change: p.Leu662Val; replaces leucine 662 with valine.
Molecular consequence: missense variant.
Genome position (GRCh38, 1-based): chr9:20,862,641, C>G. VCF-style: chr9-20862641-C-G. GRCh37 (hg19) VCF-style: chr9-20862640-C-G.
Other names: c.1879C>G, p.Leu627Val (NM_001375568.1, NM_001375570.1); c.1984C>G, p.Leu662Val (NM_017794.5); short protein forms L662V, L627V.
Identifiers: ClinVar variation 2248750 (VCV002248750.4), dbSNP rs1318718048, ClinGen allele CA373049833.